The following is an entry in ClinVar:

ClinVar aggregate classification (germline): Uncertain significance. Review status: criteria provided, multiple submitters, no conflicts (2 of 4 stars). 2 submissions from 2 submitters: Uncertain significance (2). Last evaluated 2024-03-13.

Conditions:
Long QT syndrome (LQTS). Identifiers: MedGen C0023976, MeSH D008133, MONDO:0002442. Disease mechanism: loss of function. Inheritance: Various modes of inheritance.

Submissions (2):

Labcorp Genetics (formerly Invitae), Labcorp
Classification: Uncertain significance for Long QT syndrome. Last evaluated: 2024-03-13. Review status: criteria provided, single submitter. Criteria: Invitae Variant Classification Sherloc (09022015). Collection method: clinical testing. Allele origin: germline.
Comment: This sequence change replaces glutamine, which is neutral and polar, with histidine, which is basic and polar, at codon 1310 of the CACNA1C protein (p.Gln1310His). This variant is not present in population databases (gnomAD no frequency). This variant has not been reported in the literature in individuals affected with CACNA1C-related conditions. ClinVar contains an entry for this variant (Variation ID: 190666). Advanced modeling of protein sequence and biophysical properties (such as structural, functional, and spatial information, amino acid conservation, physicochemical variation, residue mobility, and thermodynamic stability) performed at Invitae indicates that this missense variant is not expected to disrupt CACNA1C protein function with a negative predictive value of 95%. In summary, the available evidence is currently insufficient to determine the role of this variant in disease. Therefore, it has been classified as a Variant of Uncertain Significance.

GeneDx
Classification: Uncertain significance. Last evaluated: 2013-06-18. Review status: criteria provided, single submitter. Criteria: GeneDx Variant Classification (06012015). Collection method: clinical testing. Allele origin: germline. Affected: yes.
Comment: p.Gln1310His (CAA>CAT): c.3930 A>T in exon 31 of the CACNA1C gene (NM_000719.6). The Gln1310His variant in the CACNA1C gene has not been reported as a disease-causing mutation or as a benign polymorphism to our knowledge. Gln1310His results in a non-conservative amino acid substitution of a neutral, polar Glutamine with a positively charged Histidine at a position that is well conserved across species. The Gln1310His variant was not observed in approximately 6,000 individuals of European and African American ancestry in the NHLBI Exome Sequencing Project, indicating it is not a common benign variant in these populations. Nevertheless, no mutations in nearby residues have been reported in association with arrhythmia, indicating this region of the protein may be tolerant of change. With the clinical and molecular information available at this time, we cannot definitively determine if Gln1310His is a disease-causing mutation or a rare benign variant. The variant is found in LQT panel(s).

NM_000719.7(CACNA1C):c.3930A>T (p.Gln1310His)

Gene: CACNA1C (calcium voltage-gated channel subunit alpha1 C; plus strand). Cytogenetic location: 12p13.33.
Variant type: single nucleotide variant.
Coding change: c.3930A>T on transcript NM_000719.7 (MANE Select); coding-DNA position 3930, A replaced by T.
Protein change: p.Gln1310His; replaces glutamine 1310 with histidine.
Molecular consequence: missense variant. On other transcripts: intron variant (6).
Genome position (GRCh38, 1-based): chr12:2,648,492, A>T. VCF-style: chr12-2648492-A-T. GRCh37 (hg19) VCF-style: chr12-2757658-A-T.
Other names: p.Q1310H:CAA>CAT; c.4074A>T, p.Gln1358His (NM_001129827.2, NM_199460.4); c.3930A>T, p.Gln1310His (NM_001129829.2, NM_001129830.3, NM_001129833.2 and 8 more transcripts); c.4014A>T, p.Gln1338His (NM_001129831.2); c.3990A>T, p.Gln1330His (NM_001129832.2); c.3921A>T, p.Gln1307His (NM_001129844.2); c.3913-3148A>T (NM_001167625.2, NM_001129837.2, NM_001129838.2 and 1 more transcripts); c.3907-3148A>T (NM_001129839.2); and 1 more; short protein forms Q1310H, Q1358H, Q1307H, Q1330H, Q1338H.
Identifiers: ClinVar variation 190666 (VCV000190666.4), dbSNP rs369262825, ClinGen allele CA301483.